The following is an entry in ClinVar:

NC_000015.9:g.(?_55526960)_(55613608_?)del

Genes: RAB27A (RAB27A, member RAS oncogene family; minus strand), PIGB (phosphatidylinositol glycan anchor biosynthesis class B; plus strand). Cytogenetic location: 15q21.3.
Variant type: Deletion.
Identifiers: ClinVar variation 1459351 (VCV001459351.5).

ClinVar aggregate classification (germline): Pathogenic (1 of 4 stars; one submission).

Conditions:
Griscelli syndrome type 2 (GS2). Also called: PAID SYNDROME; PARTIAL ALBINISM AND IMMUNODEFICIENCY SYNDROME; GRISCELLI SYNDROME WITH HEMOPHAGOCYTIC SYNDROME. Identifiers: Orphanet 381, Orphanet 79477, MedGen C1868679, MONDO:0011872, OMIM 607624.

Submission:

Labcorp Genetics (formerly Invitae), Labcorp
Classification: Pathogenic for Griscelli syndrome type 2. Last evaluated: 2023-10-24. Review status: criteria provided, single submitter. Criteria: Invitae Variant Classification Sherloc (09022015). Collection method: clinical testing. Allele origin: germline.
Comment: This variant is a gross deletion of the genomic region encompassing exon(s) 1-2 of the RAB27A gene, which includes the initiator codon. This deletion extends beyond the assayed region for this gene and therefore may encompass additional genes. It is expected to result in an absent or disrupted protein product. Loss-of-function variants in RAB27A are known to be pathogenic (PMID: 10835631, 23160464). This variant has not been reported in the literature in individuals affected with RAB27A-related conditions. For these reasons, this variant has been classified as Pathogenic.

Literature cited by the submitters: PubMed 10835631; PubMed 23160464.